The following is an entry in ClinVar:

ClinVar aggregate classification (germline): Likely benign. Review status: criteria provided, single submitter (1 of 4 stars). 2 submissions from 2 submitters: Likely benign (1). 1 of the submissions does not count toward it. Last evaluated 2025-06-18.

Conditions:
Angelman syndrome (AS). Also called: HAPPY PUPPET SYNDROME. Identifiers: Orphanet 72, MedGen C0162635, MONDO:0007113, OMIM 105830. Disease mechanism: loss of function. Inheritance: AS is caused by disruption of maternally imprinted UBE3A located within the 15q11.2-q13 Angelman syndrome/Prader-Willi syndrome (AS/PWS) region., imprinting disorder.

Submissions (2):

Labcorp Genetics (formerly Invitae), Labcorp
Classification: Likely benign for Angelman syndrome. Last evaluated: 2025-06-18. Review status: criteria provided, single submitter. Criteria: Invitae Variant Classification Sherloc (09022015). Collection method: clinical testing. Allele origin: germline.

Baylor Genetics
Classification: Uncertain significance for Angelman syndrome. Last evaluated: 2014-02-14. Review status: no assertion criteria provided. Collection method: clinical testing. Allele origin: paternal. Affected: yes. Observed: 4 variant alleles. Study: UBE3A Mutation Study. Not counted in ClinVar's aggregate classification.
Comment: possible diagnosis of Angelman syndrome

Data collected from clinical UBE3A sequence analysis results

Literature cited by the submitters: PubMed 25212744 (cited by Baylor Genetics).

NM_130839.5(UBE3A):c.63-19_63-17del

Genes: SNHG14 (small nucleolar RNA host gene 14; plus strand), UBE3A (ubiquitin protein ligase E3A; minus strand). Cytogenetic location: 15q11.2.
Variant type: Deletion.
Coding change: c.63-19_63-17del on transcript NM_130839.5 (MANE Select); 19 bases into the intron before coding-DNA position 63 through 17 bases into the intron before coding-DNA position 63, 3 bases deleted (GTT; older notation c.63-19_63-17delGTT).
Molecular consequence: intron variant.
Genome position (GRCh38, 1-based): chr15:25,375,780-25,375,782, AAC deleted on the plus strand (GTT on the coding strand, the reverse complement: UBE3A is on the minus strand); deleting any 3 consecutive bases within chr15:25,375,780-25,375,784 gives the same sequence; the c. name uses the placement nearest the transcript's 3' end. VCF-style (leftmost placement, unchanged base first): chr15-25375779-AAAC-A. GRCh37 (hg19) VCF-style: chr15-25620926-AAAC-A.
Other names: c.-115-19_-115-17del (NM_001354546.2); c.3-19_3-17del (NM_001354551.2, NM_001354549.2, NM_001354548.2 and 18 more transcripts); c.63-19_63-17del (NM_001354550.2, NM_001354545.2, NM_001354538.2 and 1 more transcripts); c.72-19_72-17del (NM_000462.5); c.3-19_3-17delGTT (NM_130838.1).
Identifiers: ClinVar variation 156139 (VCV000156139.10), dbSNP rs587782921, ClinGen allele CA333442.